The following is an entry in ClinVar:

NM_000760.4(CSF3R):c.189G>A (p.Trp63Ter)

Gene: CSF3R (colony stimulating factor 3 receptor; minus strand). Cytogenetic location: 1p34.3.
Variant type: single nucleotide variant.
Coding change: c.189G>A on transcript NM_000760.4 (MANE Select); coding-DNA position 189, G replaced by A.
Protein change: p.Trp63Ter; replaces tryptophan 63 with a stop codon.
Molecular consequence: nonsense.
Genome position (GRCh38, 1-based): chr1:36,475,549, C>T on the plus strand (G>A on the coding strand, the complement: CSF3R is on the minus strand). VCF-style: chr1-36475549-C-T. GRCh37 (hg19) VCF-style: chr1-36941150-C-T.
Other names: c.189G>A, p.Trp63Ter (NM_156039.3, NM_172313.3); short protein forms W63*.
Identifiers: ClinVar variation 1322165 (VCV001322165.6), dbSNP rs1286213872, ClinGen allele CA339425001.
Genomic context (GRCh38, chr1:36,475,549, plus strand): 5'-CTGGGTCCCATCAGACAGACGCTGCTGCCTGCCCCCGGGCTGAAGCTCTGCTCCCAGTCT[C>T]CACAGAATCTGTGGCTCCGGGTCCAGATGGCTGCAGTTCTGCTTGATGATGCAGGAGGCT-3'

ClinVar aggregate classification (germline): Pathogenic. Review status: criteria provided, multiple submitters, no conflicts (2 of 4 stars). 2 submissions from 2 submitters: Pathogenic (2). Last evaluated 2026-01-19.

Conditions:
Autosomal recessive severe congenital neutropenia due to CSF3R deficiency. Also called: Neutropenia, severe congenital, 7, autosomal recessive. Identifiers: Orphanet 420702, MedGen C4310764, MONDO:0014865, OMIM 617014.

Allele frequency attached by ClinVar (database versions not stated): gnomAD exomes 0.00001 and 0.00002.
gnomAD v4.1: 6 of 1,614,084 alleles (0.00037%); highest among the groups gnomAD compares: Admixed American, 0.005%; no homozygotes.

Submissions (2):

Labcorp Genetics (formerly Invitae), Labcorp
Classification: Pathogenic for Autosomal recessive severe congenital neutropenia due to CSF3R deficiency. Last evaluated: 2026-01-19. Review status: criteria provided, single submitter. Criteria: Invitae Variant Classification Sherloc (09022015). Collection method: clinical testing. Allele origin: germline.
Comment: This sequence change creates a premature translational stop signal (p.Trp63*) in the CSF3R gene. It is expected to result in an absent or disrupted protein product. Loss-of-function variants in CSF3R are known to be pathogenic (PMID: 24753537, 26324699). This variant is present in population databases (no rsID available, gnomAD 0.009%). This variant has not been reported in the literature in individuals affected with CSF3R-related conditions. ClinVar contains an entry for this variant (Variation ID: 1322165). For these reasons, this variant has been classified as Pathogenic.

Revvity Omics, Revvity
Classification: Pathogenic. Last evaluated: 2019-04-25. Review status: criteria provided, single submitter. Criteria: ACMG Guidelines, 2015. Collection method: clinical testing. Allele origin: germline.

Literature cited by the submitters: PubMed 24753537 (cited by Labcorp Genetics (formerly Invitae), Labcorp); PubMed 26324699 (cited by Labcorp Genetics (formerly Invitae), Labcorp).